The following is an entry in ClinVar:

ClinVar aggregate classification (germline): Conflicting classifications of pathogenicity. Review status: criteria provided, conflicting classifications (1 of 4 stars). 8 submissions from 8 submitters: Uncertain significance (5); Likely benign (3). Last evaluated 2026-05-28.

Conditions:
COL11A1-related disorder. Also called: COL11A1-related disorders; COL11A1-related condition.
Inborn genetic diseases. Identifiers: MedGen C0950123, MeSH D030342.
Fibrochondrogenesis 1 (FBCG1). Identifiers: Orphanet 2021, MedGen C3278138, MONDO:0009226, OMIM 228520.

Allele frequency attached by ClinVar (database versions not stated): gnomAD exomes 0.00007 and 0.00016; ExAC 0.00011; ESP Exome Variant Server 0.00015; gnomAD 0.00023 and 0.00024; 1000 Genomes Project 30x 0.00031; 1000 Genomes Project 0.00040; TOPMed 0.00061.
gnomAD v4.1: 151 of 1,613,842 alleles (0.0094%); highest among the groups gnomAD compares: Admixed American, 0.12%; no homozygotes.

Submissions (8):

PreventionGenetics, part of Exact Sciences
Classification: Uncertain significance for COL11A1-related condition. Last evaluated: 2026-05-28. Review status: criteria provided, single submitter. Criteria: ACMG Guidelines, 2015. Collection method: clinical testing. Allele origin: germline.
Comment: The COL11A1 c.4718C>T variant is predicted to result in the amino acid substitution p.Ser1573Leu. To our knowledge, this variant has not been reported in the literature. This variant is reported in 0.087% of alleles in individuals of Ashkenazi Jewish descent in gnomAD. Although we suspect that this variant may be benign, at this time, the clinical significance of this variant is uncertain due to the absence of conclusive functional and genetic evidence.

Labcorp Genetics (formerly Invitae), Labcorp
Classification: Likely benign. Last evaluated: 2025-12-21. Review status: criteria provided, single submitter. Criteria: Invitae Variant Classification Sherloc (09022015). Collection method: clinical testing. Allele origin: germline.

Women's Health and Genetics/Laboratory Corporation of America, LabCorp
Classification: Uncertain significance. Last evaluated: 2025-10-28. Review status: criteria provided, single submitter. Criteria: LabCorp Variant Classification Summary - May 2015. Collection method: clinical testing. Allele origin: germline.
Comment: Variant summary: COL11A1 c.4718C>T (p.Ser1573Leu) results in a non-conservative amino acid change in the encoded protein sequence. Algorithms developed to predict the effect of missense changes on protein structure and function are either unavailable or do not agree on the potential impact of this missense change. The variant allele was found at a frequency of 0.00016 in 251124 control chromosomes. This frequency is not significantly higher than estimated for disease-causing variants in COL11A1, allowing no conclusion about variant significance. To our knowledge, no occurrence of c.4718C>T in individuals affected with COL11A1-related conditions and no experimental evidence demonstrating its impact on protein function have been reported. ClinVar contains an entry for this variant (Variation ID: 393244). Based on the evidence outlined above, the variant was classified as uncertain significance.

Blueprint Genetics
Classification: Likely benign. Last evaluated: 2024-10-18. Review status: criteria provided, single submitter. Criteria: ACMG Guidelines, 2015. Collection method: clinical testing. Allele origin: germline.

Ambry Genetics
Classification: Uncertain significance for Inborn genetic diseases. Last evaluated: 2024-01-19. Review status: criteria provided, single submitter. Criteria: Ambry Variant Classification Scheme 2023. Collection method: clinical testing. Allele origin: germline.

GeneDx
Classification: Likely benign. Last evaluated: 2021-04-07. Review status: criteria provided, single submitter. Criteria: GeneDx Variant Classification Process June 2021. Collection method: clinical testing. Allele origin: germline. Affected: yes.

Revvity Omics, Revvity
Classification: Uncertain significance. Last evaluated: 2021-03-01. Review status: criteria provided, single submitter. Criteria: ACMG Guidelines, 2015. Collection method: clinical testing. Allele origin: germline.

Baylor Genetics
Classification: Uncertain significance for Fibrochondrogenesis 1. Last evaluated: 2018-05-18. Review status: criteria provided, single submitter. Criteria: ACMG Guidelines, 2015. Collection method: clinical testing. Allele origin: maternal. Affected: yes.
Comment: This variant was determined to be of uncertain significance according to ACMG Guidelines, 2015 [PMID:25741868].

NM_001854.4(COL11A1):c.4718C>T (p.Ser1573Leu)

Gene: COL11A1 (collagen type XI alpha 1 chain; minus strand). Cytogenetic location: 1p21.1.
Variant type: single nucleotide variant.
Coding change: c.4718C>T on transcript NM_001854.4 (MANE Select); coding-DNA position 4718, C replaced by T.
Protein change: p.Ser1573Leu; replaces serine 1573 with leucine.
Molecular consequence: missense variant. On other transcripts: non-coding transcript variant (1).
Genome position (GRCh38, 1-based): chr1:102,886,947, G>A on the plus strand (C>T on the coding strand, the complement: COL11A1 is on the minus strand). VCF-style: chr1-102886947-G-A. GRCh37 (hg19) VCF-style: chr1-103352503-G-A.
Other names: c.4601C>T, p.Ser1534Leu (NM_001190709.2); c.4754C>T, p.Ser1585Leu (NM_080629.3); c.4370C>T, p.Ser1457Leu (NM_080630.4); short protein forms S1573L, S1585L, S1534L, S1457L.
Identifiers: ClinVar variation 393244 (VCV000393244.19), dbSNP rs143531636, ClinGen allele CA973426.